The following is an entry in ClinVar:

NM_001005388.3(NFASC):c.1979-21_1979-20del

Gene: NFASC (neurofascin; plus strand). Cytogenetic location: 1q32.1.
Variant type: Microsatellite.
Coding change: c.1979-21_1979-20del on transcript NM_001005388.3 (MANE Select); 21 bases into the intron before coding-DNA position 1979 through 20 bases into the intron before coding-DNA position 1979, 2 bases deleted (CT; older notation c.1979-21_1979-20delCT).
Molecular consequence: intron variant.
Genome position (GRCh38, 1-based): chr1:204,979,341-204,979,342, CT deleted; deleting any 2 consecutive bases within chr1:204,979,339-204,979,342 gives the same sequence; the c. name uses the placement nearest the transcript's 3' end. VCF-style (leftmost placement, unchanged base first): chr1-204979338-GCT-G. GRCh37 (hg19) VCF-style: chr1-204948466-GCT-G.
Other names: c.1979-21_1979-20del (NM_001378329.1); c.1967-21_1967-20del (NM_001160332.2, NM_015090.4, NM_001365986.1); c.2012-21_2012-20del (NM_001160331.2).
Identifiers: ClinVar variation 4533587 (VCV004533587.6).

ClinVar aggregate classification (germline): Likely benign (1 of 4 stars; one submission).

Submission:

CeGaT Center for Human Genetics Tuebingen
Classification: Likely benign. Last evaluated: 2025-10-01. Review status: criteria provided, single submitter. Criteria: CeGaT Center For Human Genetics Tuebingen Variant Classification Criteria Version 2. Collection method: clinical testing. Allele origin: germline. Affected: yes. Observed: 1 variant allele.
Comment: NFASC: BS1